The following is an entry in ClinVar:

NM_024721.5(ZFHX4):c.10779A>G (p.Glu3593=)

Gene: ZFHX4 (zinc finger homeobox 4; plus strand). Cytogenetic location: 8q21.13.
Variant type: single nucleotide variant.
Coding change: c.10779A>G on transcript NM_024721.5 (MANE Select); coding-DNA position 10779, A replaced by G.
Protein change: p.Glu3593=; no amino-acid change (glutamic acid 3593 retained).
Molecular consequence: synonymous variant.
Genome position (GRCh38, 1-based): chr8:76,864,493, A>G. VCF-style: chr8-76864493-A-G. GRCh37 (hg19) VCF-style: chr8-77776729-A-G.
Other names: c.10701A>G, p.Glu3567= (NM_001410934.1).
Identifiers: ClinVar variation 5039424 (VCV005039424.1).

ClinVar aggregate classification (germline): Likely benign (1 of 4 stars; one submission).

gnomAD v4.1: 167 of 1,613,588 alleles (0.01%); highest among the groups gnomAD compares: East Asian, 0.26%; no homozygotes.

Submission:

CeGaT Center for Human Genetics Tuebingen
Classification: Likely benign. Last evaluated: 2026-07-01. Review status: criteria provided, single submitter. Criteria: CeGaT Center For Human Genetics Tuebingen Variant Classification Criteria Version 2. Collection method: clinical testing. Allele origin: germline. Affected: yes. Observed: 1 variant allele.
Comment: ZFHX4: BP4, BS1